The following is an entry in ClinVar:

ClinVar aggregate classification (germline): Benign (1 of 4 stars; one submission).

Conditions:
DICER1-related tumor predisposition. Also called: DICER1-related pleuropulmonary blastoma cancer predisposition syndrome; DICER1 syndrome. Identifiers: Orphanet 284343, MedGen C3839822, MONDO:0100216.

Allele frequency attached by ClinVar (database versions not stated): TOPMed 0.00028; gnomAD exomes 0.00030; 1000 Genomes Project 30x 0.00047; 1000 Genomes Project 0.00060; gnomAD 0.00192 and 0.00203.
gnomAD v4.1: 313 of 233,172 alleles (0.13%); highest among the groups gnomAD compares: Non-Finnish European, 0.066%; 3 homozygotes.

Submission:

Illumina Laboratory Services, Illumina
Classification: Benign for Pleuropulmonary blastoma. Last evaluated: 2018-01-13. Review status: criteria provided, single submitter. Criteria: ICSL Variant Classification Criteria 13 December 2019. Collection method: clinical testing. Allele origin: germline.
Comment: This variant was observed in the ICSL laboratory as part of a predisposition screen in an ostensibly healthy population. It had not been previously curated by ICSL or reported in the Human Gene Mutation Database (HGMD: prior to June 1st, 2018), and was therefore a candidate for classification through an automated scoring system. Utilizing variant allele frequency, disease prevalence and penetrance estimates, and inheritance mode, an automated score was calculated to assess if this variant is too frequent to cause the disease. Based on the score and internal cut-off values, a variant classified as benign is not then subjected to further curation. The score for this variant resulted in a classification of benign for this disease.

NM_177438.3(DICER1):c.*3234G>T

Gene: DICER1 (dicer 1, ribonuclease III; minus strand). Cytogenetic location: 14q32.13.
Variant type: single nucleotide variant.
Coding change: c.*3234G>T on transcript NM_177438.3 (MANE Select); 3234 bases downstream of the stop codon, G replaced by T.
Molecular consequence: 3 prime UTR variant.
Genome position (GRCh38, 1-based): chr14:95,087,264, C>A on the plus strand (G>T on the coding strand, the complement: DICER1 is on the minus strand). VCF-style: chr14-95087264-C-A. GRCh37 (hg19) VCF-style: chr14-95553601-C-A.
Other names: c.*3350G>T (NM_001195573.1); c.*3234G>T (NM_001271282.3, NM_001291628.2, NM_030621.4).
Identifiers: ClinVar variation 315054 (VCV000315054.6), dbSNP rs185088366, ClinGen allele CA10635601.